The following is an entry in ClinVar:

ClinVar aggregate classification (germline): Uncertain significance (1 of 4 stars; one submission).

Conditions:
Hypertrophic cardiomyopathy. Also called: HYPERTROPHIC MYOCARDIOPATHY. Identifiers: Orphanet 217569, MedGen C0007194, MeSH D002312, MONDO:0005045, HP:0001639.

Submission:

Labcorp Genetics (formerly Invitae), Labcorp
Classification: Uncertain significance for Hypertrophic cardiomyopathy. Last evaluated: 2025-12-22. Review status: criteria provided, single submitter. Criteria: Invitae Variant Classification Sherloc (09022015). Collection method: clinical testing. Allele origin: germline.
Comment: This sequence change replaces glutamic acid, which is acidic and polar, with glycine, which is neutral and non-polar, at codon 1493 of the MYH7 protein (p.Glu1493Gly). This variant is not present in population databases (gnomAD no frequency). This variant has not been reported in the literature in individuals affected with MYH7-related conditions. Invitae Evidence Modeling of protein sequence and biophysical properties (such as structural, functional, and spatial information, amino acid conservation, physicochemical variation, residue mobility, and thermodynamic stability) indicates that this missense variant is expected to disrupt MYH7 protein function with a positive predictive value of 95%. In summary, the available evidence is currently insufficient to determine the role of this variant in disease. Therefore, it has been classified as a Variant of Uncertain Significance.

NM_000257.4(MYH7):c.4478A>G (p.Glu1493Gly)

Genes: MHRT (myosin heavy chain associated RNA transcript; plus strand), MYH7 (myosin heavy chain 7; minus strand). Cytogenetic location: 14q11.2.
Variant type: single nucleotide variant.
Coding change: c.4478A>G on transcript NM_000257.4 (MANE Select); coding-DNA position 4478, A replaced by G.
Protein change: p.Glu1493Gly; replaces glutamic acid 1493 with glycine.
Molecular consequence: missense variant.
Genome position (GRCh38, 1-based): chr14:23,417,194, T>C on the plus strand (A>G on the coding strand, the complement: MYH7 is on the minus strand). VCF-style: chr14-23417194-T-C. GRCh37 (hg19) VCF-style: chr14-23886403-T-C.
Other names: c.4478A>G, p.Glu1493Gly (NM_001407004.1); short protein forms E1493G.
Identifiers: ClinVar variation 4764373 (VCV004764373.1).